The following is an entry in ClinVar:

NM_001184.4(ATR):c.5492T>A (p.Ile1831Asn)

Gene: ATR (ATR checkpoint kinase; minus strand). Cytogenetic location: 3q23.
Variant type: single nucleotide variant.
Coding change: c.5492T>A on transcript NM_001184.4 (MANE Select); coding-DNA position 5492, T replaced by A.
Protein change: p.Ile1831Asn; replaces isoleucine 1831 with asparagine.
Molecular consequence: missense variant.
Genome position (GRCh38, 1-based): chr3:142,498,663, A>T on the plus strand (T>A on the coding strand, the complement: ATR is on the minus strand). VCF-style: chr3-142498663-A-T. GRCh37 (hg19) VCF-style: chr3-142217505-A-T.
Other names: c.5300T>A, p.Ile1767Asn (NM_001354579.2); short protein forms I1831N, I1767N.
Identifiers: ClinVar variation 1747864 (VCV001747864.2), dbSNP rs2473164861, ClinGen allele CA354815724.

ClinVar aggregate classification (germline): Uncertain significance (1 of 4 stars; one submission).

Conditions:
Inborn genetic diseases. Identifiers: MedGen C0950123, MeSH D030342.

Submission:

Ambry Genetics
Classification: Uncertain significance for Inborn genetic diseases. Last evaluated: 2022-01-15. Review status: criteria provided, single submitter. Criteria: Ambry Variant Classification Scheme 2023. Collection method: clinical testing. Allele origin: germline.
Comment: The p.I1831N variant (also known as c.5492T>A), located in coding exon 32 of the ATR gene, results from a T to A substitution at nucleotide position 5492. The isoleucine at codon 1831 is replaced by asparagine, an amino acid with dissimilar properties. This amino acid position is conserved. In addition, the in silico prediction for this alteration is inconclusive. Since supporting evidence is limited at this time, the clinical significance of this alteration remains unclear.